The following is an entry in ClinVar:

NM_018993.4(RIN2):c.2443A>G (p.Thr815Ala)

Gene: RIN2 (Ras and Rab interactor 2; plus strand). Cytogenetic location: 20p11.23.
Variant type: single nucleotide variant.
Coding change: c.2443A>G on transcript NM_018993.4 (MANE Select); coding-DNA position 2443, A replaced by G.
Protein change: p.Thr815Ala; replaces threonine 815 with alanine.
Molecular consequence: missense variant.
Genome position (GRCh38, 1-based): chr20:20,000,691, A>G. VCF-style: chr20-20000691-A-G. GRCh37 (hg19) VCF-style: chr20-19981335-A-G.
Other names: c.2590A>G, p.Thr864Ala (NM_001242581.2); c.1825A>G, p.Thr609Ala (NM_001378238.1); short protein forms T609A, T815A, T864A.
Identifiers: ClinVar variation 2801146 (VCV002801146.3), dbSNP rs1229683747, ClinGen allele CA408367545.
Genomic context (GRCh38, chr20:20,000,691, plus strand): 5'-TTTCAGGAGGTCAACAGTGGTTGCACAGGAAAGACCCTCCTTGTGAGACCTTACATCACC[A>G]CTGAGGATGTGTGTCAGATCTGCGCTGAGAAGTTCAAGGTGGGGGACCCTGAGGAGTACA-3'
Protein context (NP_061866.1, residues 805-825): KTLLVRPYIT[Thr815Ala]EDVCQICAEK

ClinVar aggregate classification (germline): Uncertain significance (1 of 4 stars; one submission).

Allele frequency attached by ClinVar (database versions not stated): TOPMed below 0.00001.

Submission:

Labcorp Genetics (formerly Invitae), Labcorp
Classification: Uncertain significance. Last evaluated: 2023-06-06. Review status: criteria provided, single submitter. Criteria: Invitae Variant Classification Sherloc (09022015). Collection method: clinical testing. Allele origin: germline.
Comment: This sequence change replaces threonine, which is neutral and polar, with alanine, which is neutral and non-polar, at codon 815 of the RIN2 protein (p.Thr815Ala). In summary, the available evidence is currently insufficient to determine the role of this variant in disease. Therefore, it has been classified as a Variant of Uncertain Significance. Experimental studies and prediction algorithms are not available or were not evaluated, and the functional significance of this variant is currently unknown. This variant has not been reported in the literature in individuals affected with RIN2-related conditions. This variant is present in population databases (no rsID available, gnomAD 0.0009%).